The following is an entry in ClinVar:

NM_024757.5(EHMT1):c.754C>T (p.Pro252Ser)

Gene: EHMT1 (euchromatic histone lysine methyltransferase 1; plus strand). Cytogenetic location: 9q34.3.
Variant type: single nucleotide variant.
Coding change: c.754C>T on transcript NM_024757.5 (MANE Select); coding-DNA position 754, C replaced by T.
Protein change: p.Pro252Ser; replaces proline 252 with serine.
Molecular consequence: missense variant.
Genome position (GRCh38, 1-based): chr9:137,728,460, C>T. VCF-style: chr9-137728460-C-T. GRCh37 (hg19) VCF-style: chr9-140622912-C-T.
Other names: c.754C>T, p.Pro252Ser (NM_001145527.2, NM_001354263.2, NM_001354611.2); c.661C>T, p.Pro221Ser (NM_001354259.2, NM_001354612.2); short protein forms P221S, P252S.
Identifiers: ClinVar variation 4875045 (VCV004875045.2).

ClinVar aggregate classification (germline): Likely benign (1 of 4 stars; one submission).

gnomAD v4.1: 7 of 1,614,028 alleles (0.00043%); highest among the groups gnomAD compares: Non-Finnish European, 0.00059%; no homozygotes.

Submission:

CeGaT Center for Human Genetics Tuebingen
Classification: Likely benign. Last evaluated: 2026-05-01. Review status: criteria provided, single submitter. Criteria: CeGaT Center For Human Genetics Tuebingen Variant Classification Criteria Version 2. Collection method: clinical testing. Allele origin: germline. Affected: yes. Observed: 1 variant allele.
Comment: EHMT1: BP4, BS2